The following is an entry in ClinVar:

NC_000001.10:g.(?_100472580)_(100472722_?)del

Gene: SLC35A3 (solute carrier family 35 member A3; plus strand). Cytogenetic location: 1p21.2.
Variant type: Deletion.
Identifiers: ClinVar variation 1411723 (VCV001411723.7).

ClinVar aggregate classification (germline): Uncertain significance (1 of 4 stars; one submission).

Conditions:
Autism spectrum disorder - epilepsy - arthrogryposis syndrome (AMRS). Identifiers: Orphanet 370943, MedGen C3809910, MONDO:0014248, OMIM 615553.

Submission:

Labcorp Genetics (formerly Invitae), Labcorp
Classification: Uncertain significance for Autism spectrum disorder - epilepsy - arthrogryposis syndrome. Last evaluated: 2023-07-07. Review status: criteria provided, single submitter. Criteria: Invitae Variant Classification Sherloc (09022015). Collection method: clinical testing. Allele origin: germline.
Comment: In summary, the available evidence is currently insufficient to determine the role of this variant in disease. Therefore, it has been classified as a Variant of Uncertain Significance. Experimental studies and prediction algorithms are not available or were not evaluated, and the functional significance of this variant is currently unknown. This variant has not been reported in the literature in individuals affected with SLC35A3-related conditions. This variant is a gross deletion of the genomic region encompassing exon(s) 4 of the SLC35A3 gene. This variant would be expected to be in-frame, preserving the integrity of the reading frame.